The following is an entry in ClinVar:

NM_001258392.3(CLPB):c.695C>T (p.Ala232Val)

Gene: CLPB (ClpB family mitochondrial disaggregase; minus strand). Cytogenetic location: 11q13.4.
Variant type: single nucleotide variant.
Coding change: c.695C>T on transcript NM_001258392.3 (MANE Select); coding-DNA position 695, C replaced by T.
Protein change: p.Ala232Val; replaces alanine 232 with valine.
Molecular consequence: missense variant.
Genome position (GRCh38, 1-based): chr11:72,358,960, G>A on the plus strand (C>T on the coding strand, the complement: CLPB is on the minus strand). VCF-style: chr11-72358960-G-A. GRCh37 (hg19) VCF-style: chr11-72070004-G-A.
Other names: c.608C>T, p.Ala203Val (NM_001258393.3); c.650C>T, p.Ala217Val (NM_001258394.3); c.785C>T, p.Ala262Val (NM_030813.6); short protein forms A203V, A217V, A232V, A262V.
Identifiers: ClinVar variation 4874952 (VCV004874952.2).

ClinVar aggregate classification (germline): Uncertain significance (1 of 4 stars; one submission).

Submission:

CeGaT Center for Human Genetics Tuebingen
Classification: Uncertain significance. Last evaluated: 2026-05-01. Review status: criteria provided, single submitter. Criteria: CeGaT Center For Human Genetics Tuebingen Variant Classification Criteria Version 2. Collection method: clinical testing. Allele origin: germline. Affected: yes. Observed: 1 variant allele.
Comment: CLPB: PM2